The following is an entry in ClinVar:

NM_001408.3(CELSR2):c.2996C>T (p.Thr999Met)

Genes: CELSR2 (cadherin EGF LAG seven-pass G-type receptor 2; plus strand), LOC110121283 (VISTA enhancer hs2216; plus strand). Cytogenetic location: 1p13.3.
Variant type: single nucleotide variant.
Coding change: c.2996C>T on transcript NM_001408.3 (MANE Select); coding-DNA position 2996, C replaced by T.
Protein change: p.Thr999Met; replaces threonine 999 with methionine.
Molecular consequence: missense variant.
Genome position (GRCh38, 1-based): chr1:109,253,075, C>T. VCF-style: chr1-109253075-C-T. GRCh37 (hg19) VCF-style: chr1-109795697-C-T.
Other names: short protein forms T999M.
Identifiers: ClinVar variation 2078023 (VCV002078023.5), dbSNP rs771996760, ClinGen allele CA986846.

ClinVar aggregate classification (germline): Uncertain significance. Review status: criteria provided, multiple submitters, no conflicts (2 of 4 stars). 2 submissions from 2 submitters: Uncertain significance (2). Last evaluated 2022-10-17.

Allele frequency attached by ClinVar (database versions not stated): TOPMed 0.00001; gnomAD exomes 0.00002; ExAC 0.00003; gnomAD 0.00001.

Submissions (2):

Labcorp Genetics (formerly Invitae), Labcorp
Classification: Uncertain significance. Last evaluated: 2022-10-17. Review status: criteria provided, single submitter. Criteria: Invitae Variant Classification Sherloc (09022015). Collection method: clinical testing. Allele origin: germline.
Comment: This sequence change replaces threonine, which is neutral and polar, with methionine, which is neutral and non-polar, at codon 999 of the CELSR2 protein (p.Thr999Met). This variant is present in population databases (rs771996760, gnomAD 0.004%). This variant has not been reported in the literature in individuals affected with CELSR2-related conditions. Advanced modeling of protein sequence and biophysical properties (such as structural, functional, and spatial information, amino acid conservation, physicochemical variation, residue mobility, and thermodynamic stability) performed at Invitae indicates that this missense variant is expected to disrupt CELSR2 protein function. In summary, the available evidence is currently insufficient to determine the role of this variant in disease. Therefore, it has been classified as a Variant of Uncertain Significance.

Ambry Genetics
Classification: Uncertain significance. Last evaluated: 2022-04-07. Review status: criteria provided, single submitter. Criteria: Ambry Variant Classification Scheme 2023. Collection method: clinical testing. Allele origin: germline.